The following is an entry in ClinVar:

NM_000384.3(APOB):c.11179G>A (p.Ala3727Thr)

Gene: APOB (apolipoprotein B; minus strand). Cytogenetic location: 2p24.1.
Variant type: single nucleotide variant.
Coding change: c.11179G>A on transcript NM_000384.3 (MANE Select); coding-DNA position 11179, G replaced by A.
Protein change: p.Ala3727Thr; replaces alanine 3727 with threonine.
Molecular consequence: missense variant.
Genome position (GRCh38, 1-based): chr2:21,005,689, C>T on the plus strand (G>A on the coding strand, the complement: APOB is on the minus strand). VCF-style: chr2-21005689-C-T. GRCh37 (hg19) VCF-style: chr2-21228561-C-T.
Other names: short protein forms A3727T.
Identifiers: ClinVar variation 1796462 (VCV001796462.3), dbSNP rs535564709, ClinGen allele CA43492168.

ClinVar aggregate classification (germline): Uncertain significance (1 of 4 stars; one submission).

Conditions:
Cardiovascular phenotype. Identifiers: MedGen CN230736.

Allele frequency attached by ClinVar (database versions not stated): gnomAD exomes below 0.00001; gnomAD 0.00003.
gnomAD v4.1: 5 of 1,613,882 alleles (0.00031%); highest among the groups gnomAD compares: Admixed American, 0.0083%; no homozygotes.

Submission:

Ambry Genetics
Classification: Uncertain significance for Cardiovascular phenotype. Last evaluated: 2024-12-28. Review status: criteria provided, single submitter. Criteria: Ambry Variant Classification Scheme 2023. Collection method: clinical testing. Allele origin: germline.
Comment: The p.A3727T variant (also known as c.11179G>A), located in coding exon 26 of the APOB gene, results from a G to A substitution at nucleotide position 11179. The alanine at codon 3727 is replaced by threonine, an amino acid with similar properties. This amino acid position is not well conserved in available vertebrate species, and threonine is the reference amino acid in other vertebrate species. In addition, this alteration is predicted to be tolerated by in silico analysis. Since supporting evidence is limited at this time, the clinical significance of this alteration remains unclear.